The following is an entry in ClinVar:

ClinVar aggregate classification (germline): Likely benign. Review status: criteria provided, single submitter (1 of 4 stars). 2 submissions from 2 submitters: Likely benign (1). 1 of the submissions does not count toward it. Last evaluated 2025-12-16.

Conditions:
LCK-related disorder. Also called: LCK-related condition.
Severe combined immunodeficiency due to LCK deficiency. Also called: Immunodeficiency 22. Identifiers: Orphanet 280142, MedGen C4014233, MONDO:0014334, OMIM 615758.

Allele frequency attached by ClinVar (database versions not stated): ExAC below 0.00001; gnomAD 0.00001; TOPMed 0.00001; gnomAD exomes 0.00003 and 0.00005.

Submissions (2):

Labcorp Genetics (formerly Invitae), Labcorp
Classification: Likely benign for Severe combined immunodeficiency due to LCK deficiency. Last evaluated: 2025-12-16. Review status: criteria provided, single submitter. Criteria: Invitae Variant Classification Sherloc (09022015). Collection method: clinical testing. Allele origin: germline.

PreventionGenetics, part of Exact Sciences
Classification: Likely benign for LCK-related condition. Last evaluated: 2019-09-13. Review status: no assertion criteria provided. Collection method: clinical testing. Allele origin: germline. Not counted in ClinVar's aggregate classification.
Comment: This variant is classified as likely benign based on ACMG/AMP sequence variant interpretation guidelines (Richards et al. 2015 PMID: 25741868, with internal and published modifications).

NM_005356.5(LCK):c.378-10C>T

Gene: LCK (LCK proto-oncogene, Src family tyrosine kinase; plus strand). Cytogenetic location: 1p35.2.
Variant type: single nucleotide variant.
Coding change: c.378-10C>T on transcript NM_005356.5 (MANE Select); 10 bases into the intron before coding-DNA position 378, C replaced by T.
Molecular consequence: intron variant.
Genome position (GRCh38, 1-based): chr1:32,275,559, C>T. VCF-style: chr1-32275559-C-T. GRCh37 (hg19) VCF-style: chr1-32741160-C-T.
Other names: c.378-10C>T (NM_001330468.2, NM_001042771.3).
Identifiers: ClinVar variation 793112 (VCV000793112.11), dbSNP rs775454062, ClinGen allele CA741102.